The following is an entry in ClinVar:

ClinVar aggregate classification (germline): Likely pathogenic (1 of 4 stars; one submission).

Conditions:
MPDZ-related disorder. Also called: MPDZ-related condition.

Submission:

PreventionGenetics, part of Exact Sciences
Classification: Likely pathogenic for MPDZ-related condition. Last evaluated: 2025-05-15. Review status: criteria provided, single submitter. Criteria: ACMG Guidelines, 2015. Collection method: clinical testing. Allele origin: germline.
Comment: The MPDZ c.3519delG variant is predicted to result in a frameshift and premature protein termination (p.Ser1174Valfs*3). To our knowledge, this variant has not been reported in the literature. This variant is reported in 0.0020% of alleles in individuals of European (Non-Finnish) descent in gnomAD. Frameshift variants in MPDZ are expected to be pathogenic. This variant is interpreted as likely pathogenic.

NM_001378778.1(MPDZ):c.3519del (p.Ser1174fs)

Gene: MPDZ (multiple PDZ domain crumbs cell polarity complex component; minus strand). Cytogenetic location: 9p23.
Variant type: Deletion.
Coding change: c.3519del on transcript NM_001378778.1 (MANE Select); coding-DNA position 3519, one base deleted (G; older notation c.3519delG).
Protein change: p.Ser1174fs; shifts the reading frame from serine 1174.
Molecular consequence: frameshift variant.
Genome position (GRCh38, 1-based): chr9:13,150,622, C deleted on the plus strand (G on the coding strand, the reverse complement: MPDZ is on the minus strand); the first of 4 consecutive C bases (chr9:13,150,622-13,150,625); deleting any one gives the same sequence. VCF-style (leftmost placement, unchanged base first): chr9-13150621-TC-T. GRCh37 (hg19) VCF-style: chr9-13150620-TC-T.
Other names: c.3519del, p.Ser1174fs (NM_001261406.2, NM_001261407.2, NM_001330637.2 and 13 more transcripts); c.3321del, p.Ser1108fs (NM_001375427.1); short protein forms S1108fs, S1174fs.
Identifiers: ClinVar variation 4987287 (VCV004987287.1).